The following is an entry in ClinVar:

ClinVar aggregate classification (germline): Uncertain significance. Review status: criteria provided, multiple submitters, no conflicts (2 of 4 stars). 4 submissions from 4 submitters: Uncertain significance (4). Last evaluated 2025-10-03.

Conditions:
TTN-related disorder. Also called: TTN-related disorders; TTN-related condition; TTN-related disease.
Cardiovascular phenotype. Identifiers: MedGen CN230736.
Autosomal recessive limb-girdle muscular dystrophy type 2J (LGMDR10). Also called: Limb-girdle muscular dystrophy, type 2J; MUSCULAR DYSTROPHY, LIMB-GIRDLE, AUTOSOMAL RECESSIVE 10. Identifiers: Orphanet 140922, MedGen C1837342, MONDO:0012127, OMIM 608807.
Dilated cardiomyopathy 1G (CMD1G). Identifiers: Orphanet 154, MedGen C1858763, MONDO:0011400, OMIM 604145.

Allele frequency attached by ClinVar (database versions not stated): gnomAD exomes below 0.00001; gnomAD 0.00001; TOPMed 0.00001.
gnomAD v4.1: 4 of 1,613,192 alleles (0.00025%); highest among the groups gnomAD compares: Non-Finnish European, 0.00034%; no homozygotes.

Submissions (4):

Mayo Clinic Laboratories, Mayo Clinic
Classification: Uncertain significance. Last evaluated: 2025-10-03. Review status: criteria provided, single submitter. Criteria: ACMG Guidelines, 2015. Collection method: clinical testing. Allele origin: germline. Observed: 1 variant allele.
Comment: PM2_supporting

PreventionGenetics, part of Exact Sciences
Classification: Uncertain significance for TTN-related condition. Last evaluated: 2025-09-05. Review status: criteria provided, single submitter. Criteria: ACMG Guidelines, 2015. Collection method: clinical testing. Allele origin: germline.
Comment: The TTN c.84574G>A variant is predicted to result in the amino acid substitution p.Glu28192Lys. To our knowledge, this variant has not been reported in the literature or in a large population database (gnomAD), indicating this variant is rare. At this time, the clinical significance of this variant is uncertain due to the absence of conclusive functional and genetic evidence.

Ambry Genetics
Classification: Uncertain significance for Cardiovascular phenotype. Last evaluated: 2020-06-04. Review status: criteria provided, single submitter. Criteria: Ambry Variant Classification Scheme 2023. Collection method: clinical testing. Allele origin: germline.
Comment: The p.E19127K variant (also known as c.57379G>A), located in coding exon 153 of the TTN gene, results from a G to A substitution at nucleotide position 57379. The glutamic acid at codon 19127 is replaced by lysine, an amino acid with similar properties. This amino acid position is highly conserved in available vertebrate species. In addition, the in silico prediction for this alteration is inconclusive. Since supporting evidence is limited at this time, the clinical significance of this alteration remains unclear.

Labcorp Genetics (formerly Invitae), Labcorp
Classification: Uncertain significance for Dilated cardiomyopathy 1G; Autosomal recessive limb-girdle muscular dystrophy type 2J. Last evaluated: 2016-11-29. Review status: criteria provided, single submitter. Criteria: Invitae Variant Classification Sherloc (09022015). Collection method: clinical testing. Allele origin: germline.

NM_001267550.2(TTN):c.84574G>A (p.Glu28192Lys)

Genes: TTN (titin; minus strand), TTN-AS1 (TTN antisense RNA 1; plus strand). Cytogenetic location: 2q31.2.
Variant type: single nucleotide variant.
Coding change: c.84574G>A on transcript NM_001267550.2 (MANE Select); coding-DNA position 84574, G replaced by A.
Protein change: p.Glu28192Lys; replaces glutamic acid 28192 with lysine.
Molecular consequence: missense variant.
Genome position (GRCh38, 1-based): chr2:178,561,558, C>T on the plus strand (G>A on the coding strand, the complement: TTN is on the minus strand). VCF-style: chr2-178561558-C-T. GRCh37 (hg19) VCF-style: chr2-179426285-C-T.
Other names: p.Glu26551Lys; c.79651G>A, p.Glu26551Lys (NM_001256850.1); c.57379G>A, p.Glu19127Lys (NM_003319.4); c.76870G>A, p.Glu25624Lys (NM_133378.4); c.57754G>A, p.Glu19252Lys (NM_133432.3); c.57955G>A, p.Glu19319Lys (NM_133437.4); short protein forms E28192K, E19319K, E26551K, E19127K, E19252K, E25624K.
Identifiers: ClinVar variation 405134 (VCV000405134.7), dbSNP rs879123930, ClinGen allele CA16610251.
Genomic context (GRCh38, chr2:178,561,558, plus strand): 5'-TATCAGCAATGAGGATTTTATTTGCTTTTGACCAAAGAATGCTGCTTCTTTCTTTATACT[C>T]AAGATGATAGCCAATTACTCGACTTCCTCCATCATTAACTGGCACTTGCCAGGTTACAAG-3'
Protein context (NP_001254479.2, residues 28182-28202): GGSRVIGYHL[Glu28192Lys]YKERSSILWS